The following is an entry in ClinVar:

NM_014874.4(MFN2):c.463A>G (p.Arg155Gly)

Gene: MFN2 (mitofusin 2; plus strand). Cytogenetic location: 1p36.22.
Variant type: single nucleotide variant.
Coding change: c.463A>G on transcript NM_014874.4 (MANE Select); coding-DNA position 463, A replaced by G.
Protein change: p.Arg155Gly; replaces arginine 155 with glycine.
Molecular consequence: missense variant.
Genome position (GRCh38, 1-based): chr1:11,996,307, A>G. VCF-style: chr1-11996307-A-G. GRCh37 (hg19) VCF-style: chr1-12056364-A-G.
Other names: c.463A>G, p.Arg155Gly (NM_001127660.2); short protein forms R155G.
Identifiers: ClinVar variation 1721953 (VCV001721953.5), dbSNP rs2523011690, ClinGen allele CA338435169.

ClinVar aggregate classification (germline): Uncertain significance (1 of 4 stars; one submission).

Conditions:
Charcot-Marie-Tooth disease type 2. Also called: Charcot-Marie-Tooth type 2. Identifiers: Orphanet 64746, MedGen C0270914, MONDO:0018993.

gnomAD v4.1: 2 of 1,614,120 alleles (0.00012%); highest among the groups gnomAD compares: Non-Finnish European, 0.00017%; no homozygotes.

Submission:

Labcorp Genetics (formerly Invitae), Labcorp
Classification: Uncertain significance for Charcot-Marie-Tooth disease type 2. Last evaluated: 2023-03-13. Review status: criteria provided, single submitter. Criteria: Invitae Variant Classification Sherloc (09022015). Collection method: clinical testing. Allele origin: germline.
Comment: This sequence change replaces arginine, which is basic and polar, with glycine, which is neutral and non-polar, at codon 155 of the MFN2 protein (p.Arg155Gly). This variant is not present in population databases (gnomAD no frequency). This variant has not been reported in the literature in individuals affected with MFN2-related conditions. ClinVar contains an entry for this variant (Variation ID: 1721953). Advanced modeling of protein sequence and biophysical properties (such as structural, functional, and spatial information, amino acid conservation, physicochemical variation, residue mobility, and thermodynamic stability) performed at Invitae indicates that this missense variant is expected to disrupt MFN2 protein function. In summary, the available evidence is currently insufficient to determine the role of this variant in disease. Therefore, it has been classified as a Variant of Uncertain Significance.